The following continues an entry in ClinVar:

NM_000203.5(IDUA):c.1205G>A (p.Trp402Ter)

Gene: IDUA. ClinVar aggregate classification (germline): Pathogenic. Pathogenic (1).

Submissions 23 to 37 of 37:

Myriad Genetics, Inc.
Classification: Pathogenic for Hurler syndrome. Last evaluated: 2019-11-12. Review status: criteria provided, single submitter. Criteria: Myriad Women's Health Autosomal Recessive and X-Linked Classification Criteria (2019). Collection method: clinical testing. Allele origin: unknown. Not counted in ClinVar's aggregate classification.
Comment: NM_000203.3(IDUA):c.1205G>A(W402*) is classified as pathogenic in the context of mucopolysaccharidosis type I. Sources cited for classification include the following: PMID 1301196, 21394825, 7951228 and 11735025. Classification of NM_000203.3(IDUA):c.1205G>A(W402*) is based on the following criteria: This is a well-established pathogenic variant in the literature that has been observed more frequently in patients with clinical diagnoses than in healthy populations. Please note: this variant was assessed in the context of healthy population screening.

Laboratory of Diagnosis and Therapy of Lysosomal Disorders, University of Padova
Classification: Pathogenic for Mucopolysaccharidosis type I. Last evaluated: 2019-01-01. Review status: criteria provided, single submitter. Criteria: ACMG Guidelines, 2015. Collection method: literature only. Allele origin: germline. Affected: yes. Not counted in ClinVar's aggregate classification.
Comment: PVS1: nonsense. PP1: Cosegregation with disease in multiple affected family members in a gene definitively known to cause the disease. PM2: Very low frequency in GnomAD

Broad Center for Mendelian Genomics, Broad Institute of MIT and Harvard
Classification: Pathogenic for Mucopolysaccharidosis, MPS-I-H/S. Last evaluated: 2018-12-03. Review status: criteria provided, single submitter. Criteria: ACMG Guidelines, 2015. Collection method: research. Allele origin: germline. Inheritance: Autosomal recessive inheritance. Affected: yes. Not counted in ClinVar's aggregate classification.
Comment: This variant was absent from large population studies. This nonsense variant leads to a premature termination codon at position 402, which is predicted to lead to a truncated or absent protein. Loss of function of the IDUA gene is an established disease mechanism in autosomal recessive Hurler-Scheie syndrome. This variant has also been reported pathogenic in ClinVar (Variation ID: 11908) and is a well-known pathogenic variant in individuals with Hurler-Scheie syndrome that was reported in the homozygous and heterozygous state (86/200 alleles) of individuals with Hurler-Scheie syndrome from two cohorts (PMID: 22976768, 29393969, 11735025). In summary, this variant meets criteria to be classified as pathogenic for Hurler-Scheie syndrome in an autosomal recessive manner based on the predicted impact of the variant and multiple occurrences in European individuals with Hurler Scheie syndrome. ACMG/AMP Criteria applied: PM2, PVS1, PM3 (Richards 2015).

Fulgent Genetics
Classification: Pathogenic for Hurler syndrome; Mucopolysaccharidosis, MPS-I-H/S; Mucopolysaccharidosis, MPS-I-S. Last evaluated: 2018-10-31. Review status: criteria provided, single submitter. Criteria: ACMG Guidelines, 2015. Collection method: clinical testing. Allele origin: unknown. Not counted in ClinVar's aggregate classification.

Illumina Laboratory Services, Illumina
Classification: Pathogenic for Mucopolysaccharidosis type I. Last evaluated: 2017-10-23. Review status: criteria provided, single submitter. Criteria: ICSL Variant Classification Criteria 09 May 2019. Collection method: clinical testing. Allele origin: germline. Not counted in ClinVar's aggregate classification.
Comment: The IDUA c.1205G>A (p.Trp402Ter) variant is a stop-gained variant and is well described in the literature as a pathogenic variant associated with mucopolysaccharidosis type I, accounting for 37% of disease alleles in Europeans, 43% in North Americans of European ancestry, and 55% of Australasians (Clarke et al. 2016). The p.Trp402Ter variant has been reported in at least seven studies in which it is found in a total of at least 30 individuals with mucopolysaccharidosis type I, including in 12 in a homozygous state, in at least 17 in a compound heterozygous state, and in one in a heterozygous state where a second variant was not identified. The variant was also found in an additional 93 of 298 disease alleles of unspecified zygosity (Scott et al. 1992; Beesley et al. 2001; Pollard et al. 2013; Oussoren et al. 2013; Ahmed et al. 2014; Leroux et al. 2014; Atceken et al. 2016). The p.Trp402Ter variant was absent from 20 control alleles but is reported at a frequency of 0.00045 in the combined European American and African American populations of the Exome Sequencing Project. Functional studies demonstrated that the variant resulted in low or undetectable IDUA activity in the homozygous state and 50% activity in the heterozygous state in human and mouse (Scott et al. 1992; Beesley et al. 2001; Wang et al. 2010; Oussoren et al. 2013; Leroux et al. 2014). Due to the potential impact of stop-gained variants and the supporting evidence, the p.Trp402Ter variant is classified as pathogenic for mucopolysaccharidosis type I. This variant was observed by ICSL as part of a predisposition screen in an ostensibly healthy population.

Institute for Genomic Medicine (IGM) Clinical Laboratory, Nationwide Children's Hospital
Classification: Pathogenic for Hurler syndrome; Mucopolysaccharidosis, MPS-I-H/S; Mucopolysaccharidosis, MPS-I-S. Last evaluated: 2017-09-15. Review status: criteria provided, single submitter. Criteria: ACMG Guidelines, 2015. Collection method: clinical testing. Allele origin: germline. Affected: yes. Not counted in ClinVar's aggregate classification.
Comment: [ACMG/AMP: PVS1, PS3, PS4_Moderate, PP5] This alteration is a null variant in a gene where LOF is a known mechanism of disease [PVS1], is supported by well-established in vitro or in vivo functional studies to have a damaging effect on protein function or splicing [PS3], has previously been observed in multiple unrelated patients with the same phenotype [PS4_Moderate], was reported as a pathogenic/likely pathogenic alteration by a reputable source (ClinVar or other correspondence from a clinical testing laboratory) [PP5].

Knight Diagnostic Laboratories, Oregon Health and Sciences University
Classification: Pathogenic for Mucopolysaccharidosis Ih/s. Last evaluated: 2016-07-08. Review status: criteria provided, single submitter. Criteria: ACMG Guidelines, 2015. Collection method: clinical testing. Allele origin: germline. Affected: yes. Observed: 1 variant allele. Not counted in ClinVar's aggregate classification.

Laboratory for Molecular Medicine, Mass General Brigham Personalized Medicine
Classification: Pathogenic for Mucopolysaccharidosis type 1. Last evaluated: 2016-05-16. Review status: criteria provided, single submitter. Criteria: LMM Criteria. Collection method: clinical testing. Allele origin: germline. Inheritance: Autosomal recessive inheritance. Observed: 1 variant allele. Not counted in ClinVar's aggregate classification.
Comment: The p.Trp402X variant in IDUA has been reported in several individuals with muco polysaccharidosis type I (MPS-I) and has been associated with the severe Hurler syndrome phenotype in the homozygous state (Scott 1992, Pollard 2013, Cobos 2015 , Ahmed 2014, Oussoren 2013, Leroux 2014). It was absent form large population s tudies. This nonsense variant leads to a premature termination codon at positio n 402, which is predicted to lead to a truncated or absent protein. In mouse mod els, this variant led to phenotypes associated with the disease (Wang 2010). In summary, the p.Trp402X variant meets our criteria to be classified as pathogenic for mucopolysaccharidosis type I in an autosomal recessive manner, based upon i ts identification with patients, predicted functional impact and animal model st udies.

Eurofins Ntd Llc (ga)
Classification: Pathogenic. Last evaluated: 2016-03-31. Review status: criteria provided, single submitter. Criteria: EGL Classification Definitions. Collection method: clinical testing. Allele origin: germline. Observed: 98 variant alleles, 86 heterozygotes, 12 homozygotes. Not counted in ClinVar's aggregate classification.

Knight Diagnostic Laboratories, Oregon Health and Sciences University
Classification: Pathogenic for Hurler syndrome. Last evaluated: 2016-01-27. Review status: criteria provided, single submitter. Criteria: ACMG Guidelines, 2015. Collection method: clinical testing. Allele origin: germline. Affected: no. Study: CSER-NextGen. Not counted in ClinVar's aggregate classification.
Comment: The c.1205G>A (p.Trp402ter) nonsense variant in the IDUA gene is the most common variant reported in individuals affected with Hurler Syndrome (Scott et al., 1992; Pollard et al., 2013; Leroux et al., 2014). The p.Trp402ter variant is predicted to cause a protein termination in exon 9 (out of a total of 14 exons in the coding sequence). Nonsense variants have been described in the IDUA gene in several affected individuals (Scott et al., 1992; Pollard et al., 2013) and are, therefore, a common mechanism of disease. Multiple in vivo functional studies have demonstrated the p.Trp402ter variant results in IDUA deficiency (Scott et al., 1992; Wang et al., 2009; Oussoren et al., 2013). This c.1205G>A variant has not been reported in the three population databases (Exome Sequencing Project [ESP], 1000 Genomes, and ExAC). Multiple in silico algorithms predict this variant to have a deleterious effect (GERP = 4.86; CADD = 41), and reputable diagnostic laboratories have reported this variant as pathogenic. IDUA is the only gene in which pathogenic variants are known to cause Hurler Syndrome. Therefore, this collective evidence supports the classification of the c.1205G>A (p.Trp402ter) as a Pathogenic variant for Hurler Syndrome.

Division of Human Genetics, Children's Hospital of Philadelphia
Classification: Pathogenic for Mucopolysaccharidosis, MPS-I-S; Hurler syndrome; Mucopolysaccharidosis, MPS-I-H/S. Last evaluated: 2015-05-14. Review status: no assertion criteria provided. Collection method: research. Allele origin: germline. Study: CSER-PediSeq. Not counted in ClinVar's aggregate classification.

OMIM
Classification: Pathogenic for HURLER SYNDROME. Last evaluated: 2001-11-01. Review status: no assertion criteria provided. Collection method: literature only. Allele origin: germline. Not counted in ClinVar's aggregate classification.

Clinical Genetics DNA and cytogenetics Diagnostics Lab, Erasmus MC, Erasmus Medical Center
Classification: Pathogenic. Review status: no assertion criteria provided. Collection method: clinical testing. Allele origin: germline. Affected: yes. Study: VKGL Data-share Consensus. Not counted in ClinVar's aggregate classification.

Diagnostic Laboratory, Department of Genetics, University Medical Center Groningen
Classification: Pathogenic. Review status: no assertion criteria provided. Collection method: clinical testing. Allele origin: germline. Affected: yes. Study: VKGL Data-share Consensus. Not counted in ClinVar's aggregate classification.

GeneReviews
No classification provided. Condition: Mucopolysaccharidosis type 1. Review status: no classification provided. Collection method: literature only. Allele origin: germline. Not counted in ClinVar's aggregate classification.
Comment: Common pathogenic variant in persons of European ancestry and Australasia

Literature cited by the submitters: PubMed 20301341 (cited by 5 submitters); PubMed 11735025 (cited by 6 submitters); PubMed 21480867 (cited by Labcorp Genetics (formerly Invitae), Labcorp); PubMed 1301196 (cited by 9 submitters); PubMed 21394825 (cited by 4 submitters); PubMed 22976768 (cited by 6 submitters); PubMed 19751987 (cited by 5 submitters); PubMed 22306676 (cited by Natera, Inc.); PubMed 1301941 (cited by Natera, Inc.); PubMed 10215409 (cited by 3 submitters); PubMed 12509712 (cited by Ambry Genetics and Women's Health and Genetics/Laboratory Corporation of America, LabCorp); PubMed 29654546 (cited by Ambry Genetics); PubMed 33517895 (cited by Ambry Genetics); PubMed 28752568 (cited by Broad Center for Mendelian Genomics, Broad Institute of MIT and Harvard); PubMed 8680403 (cited by Women's Health and Genetics/Laboratory Corporation of America, LabCorp); PubMed 7951228 (cited by Myriad Genetics, Inc.); PubMed 30809705 (cited by Laboratory of Diagnosis and Therapy of Lysosomal Disorders, University of Padova); PubMed 29393969 (cited by Broad Center for Mendelian Genomics, Broad Institute of MIT and Harvard); PubMed 27511503 (cited by Illumina Laboratory Services, Illumina); PubMed 24368159 (cited by 3 submitters); PubMed 24698225 (cited by Illumina Laboratory Services, Illumina and Laboratory for Molecular Medicine, Mass General Brigham Personalized Medicine); PubMed 23786846 (cited by 3 submitters); PubMed 24798265 (cited by Laboratory for Molecular Medicine, Mass General Brigham Personalized Medicine); PubMed 4221470 (cited by OMIM); NCBI Bookshelf NBK1162 (cited by GeneReviews).